The following is an entry in ClinVar:

ClinVar aggregate classification (germline): Uncertain significance (1 of 4 stars; one submission).

Submission:

Labcorp Genetics (formerly Invitae), Labcorp
Classification: Uncertain significance. Last evaluated: 2022-09-23. Review status: criteria provided, single submitter. Criteria: Invitae Variant Classification Sherloc (09022015). Collection method: clinical testing. Allele origin: germline.
Comment: This variant has not been reported in the literature in individuals affected with SRCAP-related conditions. This variant is not present in population databases (gnomAD no frequency). This sequence change replaces phenylalanine, which is neutral and non-polar, with leucine, which is neutral and non-polar, at codon 693 of the SRCAP protein (p.Phe693Leu). Advanced modeling of protein sequence and biophysical properties (such as structural, functional, and spatial information, amino acid conservation, physicochemical variation, residue mobility, and thermodynamic stability) has been performed at Invitae for this missense variant, however the output from this modeling did not meet the statistical confidence thresholds required to predict the impact of this variant on SRCAP protein function. In summary, the available evidence is currently insufficient to determine the role of this variant in disease. Therefore, it has been classified as a Variant of Uncertain Significance.

NM_006662.3(SRCAP):c.2077T>C (p.Phe693Leu)

Gene: SRCAP (Snf2 related CREBBP activator protein; plus strand). Cytogenetic location: 16p11.2.
Variant type: single nucleotide variant.
Coding change: c.2077T>C on transcript NM_006662.3 (MANE Select); coding-DNA position 2077, T replaced by C.
Protein change: p.Phe693Leu; replaces phenylalanine 693 with leucine.
Molecular consequence: missense variant.
Genome position (GRCh38, 1-based): chr16:30,712,762, T>C. VCF-style: chr16-30712762-T-C. GRCh37 (hg19) VCF-style: chr16-30724083-T-C.
Other names: short protein forms F693L.
Identifiers: ClinVar variation 1926808 (VCV001926808.5), dbSNP rs2506633174, ClinGen allele CA395608002.